The following is an entry in ClinVar:

NM_018671.5(UNC45A):c.842G>A (p.Gly281Asp)

Gene: UNC45A (unc-45 myosin chaperone A; plus strand). Cytogenetic location: 15q26.1.
Variant type: single nucleotide variant.
Coding change: c.842G>A on transcript NM_018671.5 (MANE Select); coding-DNA position 842, G replaced by A.
Protein change: p.Gly281Asp; replaces glycine 281 with aspartic acid.
Molecular consequence: missense variant.
Genome position (GRCh38, 1-based): chr15:90,942,591, G>A. VCF-style: chr15-90942591-G-A. GRCh37 (hg19) VCF-style: chr15-91485821-G-A.
Other names: c.797G>A, p.Gly266Asp (NM_001039675.2, NM_001323621.2); c.842G>A, p.Gly281Asp (NM_001323619.1); c.407G>A, p.Gly136Asp (NM_001323620.2); short protein forms G136D, G281D, G266D.
Identifiers: ClinVar variation 1396587 (VCV001396587.6), dbSNP rs2151362320, ClinGen allele CA393852784.
Genomic context (GRCh38, chr15:90,942,591, plus strand): 5'-TGCAGGTTATGTTTGATGCCCTCAAGGAAGGTGTCAAAAAAGGCTTCCGAGGCAAAGAAG[G>A]TGCCATCATTGTGGGTGAGTGGAAGCAGGTCTGGGGTCTTTTGGACGTTACTGTCATGGA-3'
Protein context (NP_061141.2, residues 271-291): GVKKGFRGKE[Gly281Asp]AIIVDPAREL

ClinVar aggregate classification (germline): Uncertain significance (1 of 4 stars; one submission).

gnomAD v4.1: 1 of 1,614,214 alleles (0.000062%); highest among the groups gnomAD compares: Non-Finnish European, 0.000085%; no homozygotes.

Submission:

Labcorp Genetics (formerly Invitae), Labcorp
Classification: Uncertain significance. Last evaluated: 2021-12-08. Review status: criteria provided, single submitter. Criteria: Invitae Variant Classification Sherloc (09022015). Collection method: clinical testing. Allele origin: germline.
Comment: This sequence change replaces glycine, which is neutral and non-polar, with aspartic acid, which is acidic and polar, at codon 281 of the UNC45A protein (p.Gly281Asp). This variant is not present in population databases (gnomAD no frequency). This variant has not been reported in the literature in individuals affected with UNC45A-related conditions. Algorithms developed to predict the effect of missense changes on protein structure and function are either unavailable or do not agree on the potential impact of this missense change (SIFT: "Not Available"; PolyPhen-2: "Benign"; Align-GVGD: "Not Available"). In summary, the available evidence is currently insufficient to determine the role of this variant in disease. Therefore, it has been classified as a Variant of Uncertain Significance.